The following is an entry in ClinVar:

ClinVar aggregate classification (germline): Pathogenic (1 of 4 stars; one submission).

Conditions:
Kabuki syndrome 2 (KABUK2). Also called: KDM6A-Related Kabuki Syndrome. Identifiers: Orphanet 2322, MedGen C3275495, MONDO:0010465, OMIM 300867.

Submission:

Labcorp Genetics (formerly Invitae), Labcorp
Classification: Pathogenic for Kabuki syndrome 2. Last evaluated: 2025-05-30. Review status: criteria provided, single submitter. Criteria: Invitae Variant Classification Sherloc (09022015). Collection method: clinical testing. Allele origin: germline.
Comment: This sequence change creates a premature translational stop signal (p.Trp287*) in the KDM6A gene. It is expected to result in an absent or disrupted protein product. Loss-of-function variants in KDM6A are known to be pathogenic (PMID: 23076834, 23913813). This variant is not present in population databases (gnomAD no frequency). This variant has not been reported in the literature in individuals affected with KDM6A-related conditions. For these reasons, this variant has been classified as Pathogenic.

Literature cited by the submitters: PubMed 23076834; PubMed 23913813.

NM_001291415.2(KDM6A):c.860G>A (p.Trp287Ter)

Gene: KDM6A (lysine demethylase 6A; plus strand). Cytogenetic location: Xp11.3.
Variant type: single nucleotide variant.
Coding change: c.860G>A on transcript NM_001291415.2 (MANE Select); coding-DNA position 860, G replaced by A.
Protein change: p.Trp287Ter; replaces tryptophan 287 with a stop codon.
Molecular consequence: nonsense. On other transcripts: non-coding transcript variant (1).
Genome position (GRCh38, 1-based): chrX:45,053,940, G>A. VCF-style: chrX-45053940-G-A. GRCh37 (hg19) VCF-style: chrX-44913185-G-A.
Other names: c.860G>A, p.Trp287Ter (NM_001419813.1, NM_001419814.1, NM_001419815.1 and 9 more transcripts); c.107G>A, p.Trp36Ter (NM_001291421.2); short protein forms W287*, W36*.
Identifiers: ClinVar variation 4720488 (VCV004720488.1).